The following is an entry in ClinVar:

NM_001130823.3(DNMT1):c.1280+9A>G

Gene: DNMT1 (DNA methyltransferase 1; minus strand). Cytogenetic location: 19p13.2.
Variant type: single nucleotide variant.
Coding change: c.1280+9A>G on transcript NM_001130823.3 (MANE Select); 9 bases into the intron after coding-DNA position 1280, A replaced by G.
Molecular consequence: intron variant.
Genome position (GRCh38, 1-based): chr19:10,159,649, T>C on the plus strand (A>G on the coding strand, the complement: DNMT1 is on the minus strand). VCF-style: chr19-10159649-T-C. GRCh37 (hg19) VCF-style: chr19-10270325-T-C.
Other names: p.?; c.917+9A>G (NM_001318731.2); c.1232+9A>G (NM_001379.4, NM_001318730.2).
Identifiers: ClinVar variation 4684305 (VCV004684305.1).
Genomic context (GRCh38, chr19:10,159,649, plus strand): 5'-GAGCCCGCAGGCACCTCTGGGGATGTGCCTCCTTCCACGAAGCAAACATGCACACGAAAG[T>C]GCACTTACCTGAAGCAGGTCAGTTTGTGCTGGGGAAGCGCCTCATAACTCTCAAAGCCAG-3'

ClinVar aggregate classification (germline): Likely benign (1 of 4 stars; one submission).

gnomAD v4.1: 10 of 1,613,844 alleles (0.00062%); highest among the groups gnomAD compares: East Asian, 0.0022%; no homozygotes.

Submission:

Mayo Clinic Laboratories, Mayo Clinic
Classification: Likely benign. Last evaluated: 2025-05-20. Review status: criteria provided, single submitter. Criteria: ACMG Guidelines, 2015. Collection method: clinical testing. Allele origin: germline. Observed: 1 variant allele.
Comment: BP4, BP7